The following is an entry in ClinVar:

NM_001371986.1(UNC80):c.5499A>G (p.Thr1833=)

Gene: UNC80 (unc-80 subunit of NALCN channel complex; plus strand). Cytogenetic location: 2q34.
Variant type: single nucleotide variant.
Coding change: c.5499A>G on transcript NM_001371986.1 (MANE Select); coding-DNA position 5499, A replaced by G.
Protein change: p.Thr1833=; no amino-acid change (threonine 1833 retained).
Molecular consequence: synonymous variant.
Genome position (GRCh38, 1-based): chr2:209,921,655, A>G. VCF-style: chr2-209921655-A-G. GRCh37 (hg19) VCF-style: chr2-210786379-A-G.
Other names: c.5301A>G, p.Thr1767= (NM_032504.2); c.5286A>G, p.Thr1762= (NM_182587.4).
Identifiers: ClinVar variation 1588446 (VCV001588446.34), dbSNP rs77584629, ClinGen allele CA2083291.

ClinVar aggregate classification (germline): Likely benign. Review status: criteria provided, multiple submitters, no conflicts (2 of 4 stars). 3 submissions from 3 submitters: Likely benign (3). Last evaluated 2024-09-06.

Allele frequency attached by ClinVar (database versions not stated): gnomAD exomes 0.00008; ExAC 0.00039.
gnomAD v4.1: 55 of 1,551,294 alleles (0.0035%); highest among the groups gnomAD compares: South Asian, 0.04%; no homozygotes.

Submissions (3):

Labcorp Genetics (formerly Invitae), Labcorp
Classification: Likely benign. Last evaluated: 2024-09-06. Review status: criteria provided, single submitter. Criteria: Invitae Variant Classification Sherloc (09022015). Collection method: clinical testing. Allele origin: germline.

Blueprint Genetics
Classification: Likely benign. Last evaluated: 2024-03-01. Review status: criteria provided, single submitter. Criteria: ACMG Guidelines, 2015. Collection method: clinical testing. Allele origin: germline.

CeGaT Center for Human Genetics Tuebingen
Classification: Likely benign. Last evaluated: 2023-02-01. Review status: criteria provided, single submitter. Criteria: CeGaT Center For Human Genetics Tuebingen Variant Classification Criteria Version 2. Collection method: clinical testing. Allele origin: germline. Affected: yes. Observed: 1 variant allele.
Comment: UNC80: BP4, BP7